The following is an entry in ClinVar:

NM_004370.6(COL12A1):c.334+1G>A

Gene: COL12A1 (collagen type XII alpha 1 chain; minus strand). Cytogenetic location: 6q13.
Variant type: single nucleotide variant.
Coding change: c.334+1G>A on transcript NM_004370.6 (MANE Select); the canonical splice donor site of the intron after coding-DNA position 334, G replaced by A.
Molecular consequence: splice donor variant. On other transcripts: intron variant (1).
Genome position (GRCh38, 1-based): chr6:75,192,211, C>T on the plus strand (G>A on the coding strand, the complement: COL12A1 is on the minus strand). VCF-style: chr6-75192211-C-T. GRCh37 (hg19) VCF-style: chr6-75901927-C-T.
Other names: c.73+10509G>A (NM_080645.3).
Identifiers: ClinVar variation 2439221 (VCV002439221.5), dbSNP rs1157488856, ClinGen allele CA364730718.

ClinVar aggregate classification (germline): Conflicting classifications of pathogenicity. Review status: criteria provided, conflicting classifications (1 of 4 stars). 3 submissions from 3 submitters: Likely pathogenic (1); Uncertain significance (2). Last evaluated 2025-04-30.

Conditions:
Bethlem myopathy 2 (BTHLM2). Identifiers: Orphanet 536516, Orphanet 610, MedGen C4225313, MONDO:0034022, OMIM 616471.
Ullrich congenital muscular dystrophy 2 (UCMD2). Identifiers: Orphanet 75840, MedGen C4225314, MONDO:0014654, OMIM 616470.

Allele frequency attached by ClinVar (database versions not stated): gnomAD exomes below 0.00001; gnomAD 0.00001; TOPMed below 0.00001.
gnomAD v4.1: 2 of 1,565,986 alleles (0.00013%); highest among the groups gnomAD compares: African/African-American, 0.0027%; no homozygotes.

Submissions (3):

Labcorp Genetics (formerly Invitae), Labcorp
Classification: Uncertain significance for Bethlem myopathy 2; Ullrich congenital muscular dystrophy 2. Last evaluated: 2025-04-30. Review status: criteria provided, single submitter. Criteria: Invitae Variant Classification Sherloc (09022015). Collection method: clinical testing. Allele origin: germline.
Comment: This sequence change affects a donor splice site in intron 4 of the COL12A1 gene. While this variant is not anticipated to result in nonsense mediated decay, it likely alters RNA splicing and results in a disrupted protein product. This variant is present in population databases (no rsID available, gnomAD 0.009%). This variant has not been reported in the literature in individuals affected with COL12A1-related conditions. ClinVar contains an entry for this variant (Variation ID: 2439221). Experimental studies and prediction algorithms are not available or were not evaluated, and the functional significance of this variant is currently unknown. Variants that disrupt the consensus splice site are a relatively common cause of aberrant splicing (PMID: 17576681, 9536098). Algorithms developed to predict the effect of sequence changes on RNA splicing suggest that this variant may disrupt the consensus splice site. In summary, the available evidence is currently insufficient to determine the role of this variant in disease. Therefore, it has been classified as a Variant of Uncertain Significance.

Revvity Omics, Revvity
Classification: Likely pathogenic. Last evaluated: 2023-01-20. Review status: criteria provided, single submitter. Criteria: ACMG Guidelines, 2015. Collection method: clinical testing. Allele origin: germline.

GeneDx
Classification: Uncertain significance. Last evaluated: 2022-10-18. Review status: criteria provided, single submitter. Criteria: GeneDx Variant Classification Process June 2021. Collection method: clinical testing. Allele origin: germline. Affected: yes.
Comment: Canonical splice site variant expected to result in aberrant splicing, although in the absence of functional evidence the actual effect of this sequence change is unknown.; Has not been previously published as pathogenic or benign to our knowledge

Literature cited by the submitters: PubMed 17576681 (cited by Labcorp Genetics (formerly Invitae), Labcorp); PubMed 9536098 (cited by Labcorp Genetics (formerly Invitae), Labcorp).